The following is an entry in ClinVar:

ClinVar aggregate classification (germline): Uncertain significance (1 of 4 stars; one submission).

Submission:

Labcorp Genetics (formerly Invitae), Labcorp
Classification: Uncertain significance. Last evaluated: 2021-08-18. Review status: criteria provided, single submitter. Criteria: Invitae Variant Classification Sherloc (09022015). Collection method: clinical testing. Allele origin: germline.
Comment: This sequence change replaces serine with leucine at codon 863 of the ADAMTS17 protein (p.Ser863Leu). The serine residue is moderately conserved and there is a large physicochemical difference between serine and leucine. This variant is not present in population databases (ExAC no frequency). This variant has not been reported in the literature in individuals affected with ADAMTS17-related conditions. Algorithms developed to predict the effect of missense changes on protein structure and function are either unavailable or do not agree on the potential impact of this missense change (SIFT: "Not Available"; PolyPhen-2: "Benign"; Align-GVGD: "Not Available"). In summary, the available evidence is currently insufficient to determine the role of this variant in disease. Therefore, it has been classified as a Variant of Uncertain Significance.

NM_139057.4(ADAMTS17):c.2588C>T (p.Ser863Leu)

Gene: ADAMTS17 (ADAM metallopeptidase with thrombospondin type 1 motif 17; minus strand). Cytogenetic location: 15q26.3.
Variant type: single nucleotide variant.
Coding change: c.2588C>T on transcript NM_139057.4 (MANE Select); coding-DNA position 2588, C replaced by T.
Protein change: p.Ser863Leu; replaces serine 863 with leucine.
Molecular consequence: missense variant.
Genome position (GRCh38, 1-based): chr15:100,048,860, G>A on the plus strand (C>T on the coding strand, the complement: ADAMTS17 is on the minus strand). VCF-style: chr15-100048860-G-A. GRCh37 (hg19) VCF-style: chr15-100589065-G-A.
Other names: short protein forms S863L.
Identifiers: ClinVar variation 1442272 (VCV001442272.3), dbSNP rs868454426, ClinGen allele CA275472938.
Genomic context (GRCh38, chr15:100,048,860, plus strand): 5'-GATGGTGCTGCCGCCCCAGACTCTGGTGGGTCCAAGCTACAGAACCCAGCTTCTTACCGT[G>A]ACTGGCAGGGGTGCAAGTTGCACCTTCGGACCTGGGGCTCTGGGCGGCTTGCTTGAGGGC-3'
Protein context (NP_620688.2, residues 853-873): VRRCNLHPCQ[Ser863Leu]RWVAGPWSPC